The following is an entry in ClinVar:

ClinVar aggregate classification (germline): Uncertain significance (1 of 4 stars; one submission).

Conditions:
Fanconi anemia (FA). Also called: Fanconi's anemia. Identifiers: Orphanet 84, MedGen C0015625, MeSH D005199, MONDO:0019391.

gnomAD v4.1: 1 of 1,602,350 alleles (0.000062%); highest among the groups gnomAD compares: Non-Finnish European, 0.000085%; no homozygotes.

Submission:

Labcorp Genetics (formerly Invitae), Labcorp
Classification: Uncertain significance for Fanconi anemia. Last evaluated: 2022-11-26. Review status: criteria provided, single submitter. Criteria: Invitae Variant Classification Sherloc (09022015). Collection method: clinical testing. Allele origin: germline.
Comment: This sequence change replaces leucine, which is neutral and non-polar, with phenylalanine, which is neutral and non-polar, at codon 1512 of the FANCM protein (p.Leu1512Phe). In summary, the available evidence is currently insufficient to determine the role of this variant in disease. Therefore, it has been classified as a Variant of Uncertain Significance. Algorithms developed to predict the effect of missense changes on protein structure and function are either unavailable or do not agree on the potential impact of this missense change (SIFT: "Deleterious"; PolyPhen-2: "Benign"; Align-GVGD: "Class C0"). This variant has not been reported in the literature in individuals affected with FANCM-related conditions. This variant is not present in population databases (gnomAD no frequency).

NM_020937.4(FANCM):c.4536A>C (p.Leu1512Phe)

Gene: FANCM (FA complementation group M; plus strand). Cytogenetic location: 14q21.2.
Variant type: single nucleotide variant.
Coding change: c.4536A>C on transcript NM_020937.4 (MANE Select); coding-DNA position 4536, A replaced by C.
Protein change: p.Leu1512Phe; replaces leucine 1512 with phenylalanine.
Molecular consequence: missense variant.
Genome position (GRCh38, 1-based): chr14:45,185,237, A>C. VCF-style: chr14-45185237-A-C. GRCh37 (hg19) VCF-style: chr14-45654440-A-C.
Other names: c.4458A>C, p.Leu1486Phe (NM_001308133.2); short protein forms L1512F, L1486F.
Identifiers: ClinVar variation 2875457 (VCV002875457.3), dbSNP rs1340500564, ClinGen allele CA389608081.